The following is an entry in ClinVar:

ClinVar aggregate classification (germline): Uncertain significance (1 of 4 stars; one submission).

Submission:

Labcorp Genetics (formerly Invitae), Labcorp
Classification: Uncertain significance. Last evaluated: 2022-06-19. Review status: criteria provided, single submitter. Criteria: Invitae Variant Classification Sherloc (09022015). Collection method: clinical testing. Allele origin: germline.
Comment: In summary, the available evidence is currently insufficient to determine the role of this variant in disease. Therefore, it has been classified as a Variant of Uncertain Significance. Algorithms developed to predict the effect of missense changes on protein structure and function are either unavailable or do not agree on the potential impact of this missense change (SIFT: "Deleterious"; PolyPhen-2: "Possibly Damaging"; Align-GVGD: "Class C0"). This variant has not been reported in the literature in individuals affected with NSMCE3-related conditions. This variant is not present in population databases (gnomAD no frequency). This sequence change replaces glutamic acid, which is acidic and polar, with glutamine, which is neutral and polar, at codon 146 of the NSMCE3 protein (p.Glu146Gln).

NM_138704.4(NSMCE3):c.436G>C (p.Glu146Gln)

Genes: ENTREP2 (endosomal transmembrane epsin interactor 2; minus strand), NSMCE3 (NSE3 component of SMC5/6 complex; minus strand). Cytogenetic location: 15q13.1.
Variant type: single nucleotide variant.
Coding change: c.436G>C on transcript NM_138704.4 (MANE Select); coding-DNA position 436, G replaced by C.
Protein change: p.Glu146Gln; replaces glutamic acid 146 with glutamine.
Molecular consequence: missense variant. On other transcripts: intron variant (5).
Genome position (GRCh38, 1-based): chr15:29,269,270, C>G on the plus strand (G>C on the coding strand, the complement: NSMCE3 is on the minus strand). VCF-style: chr15-29269270-C-G. GRCh37 (hg19) VCF-style: chr15-29561474-C-G.
Other names: c.-12-16792G>C (NM_001387217.1, NM_001387215.1, NM_001387216.1); c.277-16792G>C (NM_001387214.1, NM_015307.2); short protein forms E146Q.
Identifiers: ClinVar variation 2130592 (VCV002130592.4), dbSNP rs2543800606, ClinGen allele CA391484242.